The following is an entry in ClinVar:

ClinVar aggregate classification (germline): Uncertain significance (1 of 4 stars; one submission).

Conditions:
Duchenne muscular dystrophy (DMD). Also called: MUSCULAR DYSTROPHY, PSEUDOHYPERTROPHIC PROGRESSIVE, DUCHENNE TYPE; Duchenne Muscular Dystrophy (DMD). Identifiers: Orphanet 98896, MedGen C0013264, MONDO:0010679, OMIM 310200.

gnomAD v4.1: 7 of 1,205,163 alleles (0.00058%); highest among the groups gnomAD compares: East Asian, 0.0059%; no homozygotes.

Submission:

Labcorp Genetics (formerly Invitae), Labcorp
Classification: Uncertain significance for Duchenne muscular dystrophy. Last evaluated: 2025-10-19. Review status: criteria provided, single submitter. Criteria: Invitae Variant Classification Sherloc (09022015). Collection method: clinical testing. Allele origin: germline.
Comment: This sequence change replaces glutamic acid, which is acidic and polar, with lysine, which is basic and polar, at codon 2508 of the DMD protein (p.Glu2508Lys). The frequency data for this variant in the population databases is considered unreliable, as metrics indicate poor data quality at this position in the gnomAD database. This variant has not been reported in the literature in individuals affected with DMD-related conditions. Invitae Evidence Modeling of protein sequence and biophysical properties (such as structural, functional, and spatial information, amino acid conservation, physicochemical variation, residue mobility, and thermodynamic stability) indicates that this missense variant is not expected to disrupt DMD protein function with a negative predictive value of 95%. In summary, the available evidence is currently insufficient to determine the role of this variant in disease. Therefore, it has been classified as a Variant of Uncertain Significance.

NM_004006.3(DMD):c.7522G>A (p.Glu2508Lys)

Gene: DMD (dystrophin; minus strand). Cytogenetic location: Xp21.1.
Variant type: single nucleotide variant.
Coding change: c.7522G>A on transcript NM_004006.3 (MANE Select); coding-DNA position 7522, G replaced by A.
Protein change: p.Glu2508Lys; replaces glutamic acid 2508 with lysine.
Molecular consequence: missense variant.
Genome position (GRCh38, 1-based): chrX:31,773,980, C>T on the plus strand (G>A on the coding strand, the complement: DMD is on the minus strand). VCF-style: chrX-31773980-C-T. GRCh37 (hg19) VCF-style: chrX-31792097-C-T.
Other names: c.7498G>A, p.Glu2500Lys (NM_000109.4); c.7510G>A, p.Glu2504Lys (NM_004009.3); c.7153G>A, p.Glu2385Lys (NM_004010.3); c.3499G>A, p.Glu1167Lys (NM_004011.4); c.3490G>A, p.Glu1164Lys (NM_004012.4); c.142G>A, p.Glu48Lys (NM_004013.3, NM_004020.4, NM_004021.3 and 2 more transcripts); short protein forms E2385K, E2500K, E48K, E1164K, E2508K, E1167K, E2504K.
Identifiers: ClinVar variation 4738812 (VCV004738812.1).